The following is an entry in ClinVar:

ClinVar aggregate classification (germline): Uncertain significance (1 of 4 stars; one submission).

Conditions:
Cardiovascular phenotype. Identifiers: MedGen CN230736.

Submissions (2):

Ambry Genetics
Classification: Uncertain significance for Cardiovascular phenotype. Last evaluated: 2026-08-24. Review status: criteria provided, single submitter. Criteria: Ambry Variant Classification Scheme 2023. Collection method: clinical testing. Allele origin: germline.
Comment: The p.I233F variant (also known as c.697A>T), located in coding exon 5 of the JAG1 gene, results from an A to T substitution at nucleotide position 697. The isoleucine at codon 233 is replaced by phenylalanine, an amino acid with highly similar properties. This amino acid position is conserved. In addition, this alteration is predicted to be deleterious by in silico analysis. Based on the available evidence, the clinical significance of this variant remains unclear.

Gilbert/Spinner Lab, Children's Hospital of Philadelphia
No classification provided (evidence only). Condition: Alagille syndrome. Review status: no classification provided. Collection method: research. Allele origin: not applicable. Functional consequence: functionally_abnormal. Not counted in ClinVar's aggregate classification.
ClinVar note: "not provided" was previously submitted as the classification for the variant. However, the classification appeared to be based only on an observation of functional data so it was converted to no classification on 2025-07-30.

NM_000214.3(JAG1):c.697A>T (p.Ile233Phe)

Gene: JAG1 (jagged canonical Notch ligand 1; minus strand). Cytogenetic location: 20p12.2.
Variant type: single nucleotide variant.
Coding change: c.697A>T on transcript NM_000214.3 (MANE Select); coding-DNA position 697, A replaced by T.
Protein change: p.Ile233Phe; replaces isoleucine 233 with phenylalanine.
Molecular consequence: missense variant.
Genome position (GRCh38, 1-based): chr20:10,656,456, T>A on the plus strand (A>T on the coding strand, the complement: JAG1 is on the minus strand). VCF-style: chr20-10656456-T-A. GRCh37 (hg19) VCF-style: chr20-10637104-T-A.
Other names: c.697A>T (NM_000214.2); short protein forms I233F.
Identifiers: ClinVar variation 3573355 (VCV003573355.3).